The following is an entry in ClinVar:

NM_003672.4(CDC14A):c.891C>T (p.Tyr297=)

Gene: CDC14A (cell division cycle 14A; plus strand). Cytogenetic location: 1p21.2.
Variant type: single nucleotide variant.
Coding change: c.891C>T on transcript NM_003672.4 (MANE Select); coding-DNA position 891, C replaced by T.
Protein change: p.Tyr297=; no amino-acid change (tyrosine 297 retained).
Molecular consequence: synonymous variant.
Genome position (GRCh38, 1-based): chr1:100,468,008, C>T. VCF-style: chr1-100468008-C-T. GRCh37 (hg19) VCF-style: chr1-100933564-C-T.
Other names: c.891C>T, p.Tyr297= (NM_001319210.2, NM_033312.3, NM_033313.3); c.717C>T, p.Tyr239= (NM_001319211.2); c.12C>T, p.Tyr4= (NM_001319212.2).
Identifiers: ClinVar variation 3039352 (VCV003039352.2), dbSNP rs2524353929, ClinGen allele CA419099783.

ClinVar aggregate classification (germline): Likely benign (0 of 4 stars; one submission).

Conditions:
CDC14A-related disorder. Also called: CDC14A-related condition.

Submission:

PreventionGenetics, part of Exact Sciences
Classification: Likely benign for CDC14A-related condition. Last evaluated: 2019-05-22. Review status: no assertion criteria provided. Collection method: clinical testing. Allele origin: germline.
Comment: This variant is classified as likely benign based on ACMG/AMP sequence variant interpretation guidelines (Richards et al. 2015 PMID: 25741868, with internal and published modifications).